The following is an entry in ClinVar:

NM_000553.6(WRN):c.3038G>C (p.Ser1013Thr)

Gene: WRN (WRN RecQ like helicase; plus strand). Cytogenetic location: 8p12.
Variant type: single nucleotide variant.
Coding change: c.3038G>C on transcript NM_000553.6 (MANE Select); coding-DNA position 3038, G replaced by C.
Protein change: p.Ser1013Thr; replaces serine 1013 with threonine.
Molecular consequence: missense variant.
Genome position (GRCh38, 1-based): chr8:31,141,500, G>C. VCF-style: chr8-31141500-G-C. GRCh37 (hg19) VCF-style: chr8-30999016-G-C.
Other names: short protein forms S1013T.
Identifiers: ClinVar variation 945581 (VCV000945581.5), dbSNP rs1802628625, ClinGen allele CA370921992.
Genomic context (GRCh38, chr8:31,141,500, plus strand): 5'-GTCTTGCCGATCAATATCGCAGGCACAGTTTATTTGGCACTGGCAAGGATCAAACAGAGA[G>C]TTGGTGGAAGGCTTTTTCCCGTCAGCTGATCACTGAGGGATTCTTGGTAGAAGTTTCTCG-3'
Protein context (NP_000544.2, residues 1003-1023): LFGTGKDQTE[Ser1013Thr]WWKAFSRQLI

ClinVar aggregate classification (germline): Uncertain significance (1 of 4 stars; one submission).

Conditions:
Werner syndrome (WRN). Identifiers: Orphanet 902, MedGen C0043119, MONDO:0010196, OMIM 277700.

Submission:

Labcorp Genetics (formerly Invitae), Labcorp
Classification: Uncertain significance for Werner syndrome. Last evaluated: 2019-06-25. Review status: criteria provided, single submitter. Criteria: Invitae Variant Classification Sherloc (09022015). Collection method: clinical testing. Allele origin: germline.
Comment: In summary, the available evidence is currently insufficient to determine the role of this variant in disease. Therefore, it has been classified as a Variant of Uncertain Significance. Algorithms developed to predict the effect of missense changes on protein structure and function (SIFT, PolyPhen-2, Align-GVGD) all suggest that this variant is likely to be tolerated, but these predictions have not been confirmed by published functional studies and their clinical significance is uncertain. This variant has not been reported in the literature in individuals with WRN-related conditions. This variant is not present in population databases (ExAC no frequency). This sequence change replaces serine with threonine at codon 1013 of the WRN protein (p.Ser1013Thr). The serine residue is moderately conserved and there is a small physicochemical difference between serine and threonine.